The following is an entry in ClinVar:

NM_000219.6(KCNE1):c.158T>C (p.Phe53Ser)

Gene: KCNE1 (potassium voltage-gated channel subfamily E regulatory subunit 1; minus strand). Cytogenetic location: 21q22.12.
Variant type: single nucleotide variant.
Coding change: c.158T>C on transcript NM_000219.6 (MANE Select); coding-DNA position 158, T replaced by C.
Protein change: p.Phe53Ser; replaces phenylalanine 53 with serine.
Molecular consequence: missense variant.
Genome position (GRCh38, 1-based): chr21:34,449,477, A>G on the plus strand (T>C on the coding strand, the complement: KCNE1 is on the minus strand). VCF-style: chr21-34449477-A-G. GRCh37 (hg19) VCF-style: chr21-35821775-A-G.
Other names: c.158T>C, p.Phe53Ser (NM_001127668.4, NM_001127669.4, NM_001127670.4 and 4 more transcripts); c.158T>C (LRG_290t1); short protein forms F53S.
Identifiers: ClinVar variation 132656 (VCV000132656.3), dbSNP rs199473355, ClinGen allele CA331925.

ClinVar aggregate classification (germline): not provided (0 of 4 stars; one submission).

Conditions:
Familial long QT syndrome (RWS). Also called: Congenital long QT syndrome; VENTRICULAR FIBRILLATION WITH PROLONGED QT INTERVAL; Romano-Ward syndrome. Identifiers: Orphanet 768, MedGen C1141890, MONDO:0019171.

Submissions (2):

Cardiovascular Biomedical Research Unit, Royal Brompton & Harefield NHS Foundation Trust
No classification provided. Condition: Familial long QT syndrome. Review status: no classification provided. Collection method: literature only. Allele origin: germline.
Comment: This variant has been reported as associated with Long QT syndrome in the following publications (PMID:16414944). This is a literature report, and does not necessarily reflect the clinical interpretation of the Imperial College / Royal Brompton Cardiovascular Genetics laboratory.

Roden Lab, Vanderbilt University Medical Center
No classification provided (evidence only). Condition: Long QT syndrome 5. Review status: no classification provided. Collection method: in vitro. Allele origin: not applicable. Functional consequence: Effect on ion channel function. Not counted in ClinVar's aggregate classification.
ClinVar note: "not provided" was previously submitted as the classification for the variant. However, the classification appeared to be based only on an observation of functional data so it was converted to no classification on 2025-07-30.

Literature cited by the submitters: PubMed 16414944 (cited by Cardiovascular Biomedical Research Unit, Royal Brompton & Harefield NHS Foundation Trust); PubMed 22581653 (cited by Cardiovascular Biomedical Research Unit, Royal Brompton & Harefield NHS Foundation Trust).